The following is an entry in ClinVar:

NM_000088.4(COL1A1):c.750+3G>A

Genes: COL1A1 (collagen type I alpha 1 chain; minus strand), LOC126862586 (CDK7 strongly-dependent group 2 enhancer GRCh37_chr17:48273702-48274901; plus strand). Cytogenetic location: 17q21.33.
Variant type: single nucleotide variant.
Coding change: c.750+3G>A on transcript NM_000088.4 (MANE Select); 3 bases into the intron after coding-DNA position 750, G replaced by A.
Molecular consequence: intron variant.
Genome position (GRCh38, 1-based): chr17:50,197,177, C>T on the plus strand (G>A on the coding strand, the complement: COL1A1 is on the minus strand). VCF-style: chr17-50197177-C-T. GRCh37 (hg19) VCF-style: chr17-48274538-C-T.
Identifiers: ClinVar variation 2562352 (VCV002562352.5), dbSNP rs1252719162, ClinGen allele CA772794869.
Genomic context (GRCh38, chr17:50,197,177, plus strand): 5'-CCCAGCTCCTAAATGAAGCCCAAGTGCAGTGAAGCCCAGGTTCAGCCACAGCCCCCTGCT[C>T]ACCTGAGGCCCAGGAGGCCCACGCTCACCAGGACGACCAGGTTTTCCAGCTTCCCCCTGA-3'

ClinVar aggregate classification (germline): Uncertain significance. Review status: criteria provided, multiple submitters, no conflicts (2 of 4 stars). 2 submissions from 2 submitters: Uncertain significance (2). Last evaluated 2024-01-01.

Conditions:
Cardiovascular phenotype. Identifiers: MedGen CN230736.
Osteogenesis imperfecta type I (OI1). Also called: Lobstein's Disease; Osteogenesis imperfecta type 1; Classic Non-deforming Osteogenesis Imperfecta with Blue Sclerae; Lobstein disease; OI, TYPE I; OSTEOGENESIS IMPERFECTA TARDA. Identifiers: Orphanet 216796, Orphanet 666, MedGen C0023931, MONDO:0008146, OMIM 166200. Disease mechanism: loss of function.

Allele frequency attached by ClinVar (database versions not stated): gnomAD exomes 0.00001; TOPMed 0.00001.

Submissions (2):

Labcorp Genetics (formerly Invitae), Labcorp
Classification: Uncertain significance for Osteogenesis imperfecta type I. Last evaluated: 2024-01-01. Review status: criteria provided, single submitter. Criteria: Invitae Variant Classification Sherloc (09022015). Collection method: clinical testing. Allele origin: germline.
Comment: This sequence change falls in intron 10 of the COL1A1 gene. It does not directly change the encoded amino acid sequence of the COL1A1 protein. It affects a nucleotide within the consensus splice site. This variant is not present in population databases (gnomAD no frequency). This variant has not been reported in the literature in individuals affected with COL1A1-related conditions. ClinVar contains an entry for this variant (Variation ID: 2562352). Variants that disrupt the consensus splice site are a relatively common cause of aberrant splicing (PMID: 17576681, 9536098). Algorithms developed to predict the effect of sequence changes on RNA splicing suggest that this variant is not likely to affect RNA splicing. In summary, the available evidence is currently insufficient to determine the role of this variant in disease. Therefore, it has been classified as a Variant of Uncertain Significance.

Ambry Genetics
Classification: Uncertain significance for Cardiovascular phenotype. Last evaluated: 2023-05-18. Review status: criteria provided, single submitter. Criteria: Ambry Variant Classification Scheme 2023. Collection method: clinical testing. Allele origin: germline.
Comment: The c.750+3G>A intronic variant results from a G to A substitution 3 nucleotides after coding exon 10 in the COL1A1 gene. This nucleotide position is not well conserved in available vertebrate species. In silico splice site analysis predicts that this alteration will not have any significant effect on splicing. Since supporting evidence is limited at this time, the clinical significance of this alteration remains unclear.

Literature cited by the submitters: PubMed 17576681 (cited by Labcorp Genetics (formerly Invitae), Labcorp); PubMed 9536098 (cited by Labcorp Genetics (formerly Invitae), Labcorp).